The following is an entry in ClinVar:

NM_001684.5(ATP2B4):c.3219C>T (p.Ala1073=)

Gene: ATP2B4 (ATPase plasma membrane Ca2+ transporting 4; plus strand). Cytogenetic location: 1q32.1.
Variant type: single nucleotide variant.
Coding change: c.3219C>T on transcript NM_001684.5 (MANE Select); coding-DNA position 3219, C replaced by T.
Protein change: p.Ala1073=; no amino-acid change (alanine 1073 retained).
Molecular consequence: synonymous variant.
Genome position (GRCh38, 1-based): chr1:203,727,481, C>T. VCF-style: chr1-203727481-C-T. GRCh37 (hg19) VCF-style: chr1-203696609-C-T.
Other names: c.3219C>T, p.Ala1073= (NM_001001396.3, NM_001365783.2, NM_001365784.2).
Identifiers: ClinVar variation 704995 (VCV000704995.13), dbSNP rs142011973, ClinGen allele CA1342077.

ClinVar aggregate classification (germline): Benign. Review status: criteria provided, multiple submitters, no conflicts (2 of 4 stars). 3 submissions from 3 submitters: Benign (2). 1 of the submissions does not count toward it. Last evaluated 2025-05-17.

Conditions:
ATP2B4-related disorder. Also called: ATP2B4-related condition.

Allele frequency attached by ClinVar (database versions not stated): ESP Exome Variant Server 0.00461; gnomAD exomes 0.00123; ExAC 0.00132; gnomAD 0.00349 and 0.00381; 1000 Genomes Project 30x 0.00406; 1000 Genomes Project 0.00419; TOPMed 0.00438.
gnomAD v4.1: 1,384 of 1,614,178 alleles (0.086%); highest among the groups gnomAD compares: African/African-American, 1.1%; 4 homozygotes.

Submissions (3):

Labcorp Genetics (formerly Invitae), Labcorp
Classification: Benign. Last evaluated: 2025-05-17. Review status: criteria provided, single submitter. Criteria: Invitae Variant Classification Sherloc (09022015). Collection method: clinical testing. Allele origin: germline.

Breakthrough Genomics
Classification: Benign. Review status: criteria provided, single submitter. Criteria: ACMG Guidelines, 2015. Collection method: not provided. Allele origin: germline. Inheritance: Unknown mechanism. Affected: yes.

PreventionGenetics, part of Exact Sciences
Classification: Benign for ATP2B4-related condition. Last evaluated: 2019-11-11. Review status: no assertion criteria provided. Collection method: clinical testing. Allele origin: germline. Not counted in ClinVar's aggregate classification.
Comment: This variant is classified as benign based on ACMG/AMP sequence variant interpretation guidelines (Richards et al. 2015 PMID: 25741868, with internal and published modifications).